The following is an entry in ClinVar:

NM_001142800.2(EYS):c.7941_7942del (p.Glu2647fs)

Gene: EYS (eyes shut homolog; minus strand). Cytogenetic location: 6q12.
Variant type: Microsatellite.
Coding change: c.7941_7942del on transcript NM_001142800.2 (MANE Select); coding-DNA positions 7941 to 7942, 2 bases deleted (GA; older notation c.7941_7942delGA).
Protein change: p.Glu2647fs; shifts the reading frame from glutamic acid 2647.
Molecular consequence: frameshift variant.
Genome position (GRCh38, 1-based): chr6:63,762,590-63,762,591, TC deleted on the plus strand (GA on the coding strand, the reverse complement: EYS is on the minus strand); deleting any 2 consecutive bases within chr6:63,762,590-63,762,594 gives the same sequence; the c. name uses the placement nearest the transcript's 3' end. VCF-style (leftmost placement, unchanged base first): chr6-63762589-GTC-G. GRCh37 (hg19) VCF-style: chr6-64472482-GTC-G.
Other names: c.7941_7942del, p.Glu2647fs (NM_001292009.2); short protein forms E2647fs.
Identifiers: ClinVar variation 3767376 (VCV003767376.1).

ClinVar aggregate classification (germline): Likely pathogenic (1 of 4 stars; one submission).

Conditions:
Retinitis pigmentosa 25 (RP25). Identifiers: Orphanet 791, MedGen C1864446, MONDO:0011272, OMIM 602772.

Submission:

SingHealth Duke-NUS Institute of Precision Medicine
Classification: Likely pathogenic for Retinitis pigmentosa 25. Last evaluated: 2025-02-05. Review status: criteria provided, single submitter. Criteria: PRISM ACMG Classification Criteria. Collection method: clinical testing. Allele origin: germline. Affected: yes.
Comment: Variant is predicted to cause nonsense-mediated decay in a gene where LOF is a known cause of pathogenicity (PVS1). Variant is not found in gnomAD exomes or genomes (PM2).